The following is an entry in ClinVar:

ClinVar aggregate classification (germline): Pathogenic. Review status: criteria provided, multiple submitters, no conflicts (2 of 4 stars). 3 submissions from 3 submitters: Pathogenic (2). 1 of the submissions does not count toward it. Last evaluated 2022-01-26.

Conditions:
Autosomal recessive congenital ichthyosis 1 (LI1). Also called: ICHTHYOSIS CONGENITA; ICHTHYOSIS CONGENITA II; LAMELLAR EXFOLIATION OF NEWBORN; ICHTHYOSIS, CONGENITAL, AUTOSOMAL RECESSIVE 1, WITH BATHING SUIT DISTRIBUTION; ICHTHYOSIS, CONGENITAL, AUTOSOMAL RECESSIVE 1, WITH OR WITHOUT BATHING SUIT DISTRIBUTION; COLLODION FETUS. Identifiers: MedGen C4551630, MONDO:0009441, OMIM 242300.

Submissions (3):

Labcorp Genetics (formerly Invitae), Labcorp
Classification: Pathogenic. Last evaluated: 2022-01-26. Review status: criteria provided, single submitter. Criteria: Invitae Variant Classification Sherloc (09022015). Collection method: clinical testing. Allele origin: germline.
Comment: For these reasons, this variant has been classified as Pathogenic. ClinVar contains an entry for this variant (Variation ID: 555976). This premature translational stop signal has been observed in individual(s) with autosomal recessive congenital ichthyosis (PMID: 18948357, 19241467, 27025581). This variant is present in population databases (no rsID available, gnomAD 0.01%). This sequence change creates a premature translational stop signal (p.Ser190Glnfs*49) in the TGM1 gene. It is expected to result in an absent or disrupted protein product. Loss-of-function variants in TGM1 are known to be pathogenic (PMID: 18948357, 19241467).

Genome-Nilou Lab
Classification: Pathogenic for Autosomal recessive congenital ichthyosis 1. Review status: criteria provided, single submitter. Criteria: ACMG Guidelines, 2015. Collection method: clinical testing. Allele origin: germline.

Counsyl
Classification: Pathogenic for Autosomal recessive congenital ichthyosis 1. Last evaluated: 2018-01-05. Review status: no assertion criteria provided. Collection method: clinical testing. Allele origin: unknown. Not counted in ClinVar's aggregate classification.

Literature cited by the submitters: PubMed 18948357 (cited by Labcorp Genetics (formerly Invitae), Labcorp and Counsyl); PubMed 19241467 (cited by Labcorp Genetics (formerly Invitae), Labcorp and Counsyl); PubMed 27025581 (cited by Labcorp Genetics (formerly Invitae), Labcorp and Counsyl).

NM_000359.3(TGM1):c.566dup (p.Ser190fs)

Gene: TGM1 (transglutaminase 1; minus strand). Cytogenetic location: 14q12.
Variant type: Duplication.
Coding change: c.566dup on transcript NM_000359.3 (MANE Select); coding-DNA position 566, one base duplicated (G; older notation c.566dupG).
Protein change: p.Ser190fs; shifts the reading frame from serine 190.
Molecular consequence: frameshift variant.
Genome position (GRCh38, 1-based): chr14:24,260,641, C duplicated on the plus strand (G on the coding strand, the reverse complement: TGM1 is on the minus strand); the first of 6 consecutive C bases (chr14:24,260,641-24,260,646); duplicating any one gives the same sequence. VCF-style (leftmost placement, unchanged base first): chr14-24260640-G-GC. GRCh37 (hg19) VCF-style: chr14-24729846-G-GC.
Other names: c.566dupG (NM_000359.2); short protein forms S190fs.
Identifiers: ClinVar variation 555976 (VCV000555976.10), dbSNP rs1211601030, ClinGen allele CA613320795.